The following is an entry in ClinVar:

NM_005334.3(HCFC1):c.3510G>C (p.Gln1170His)

Gene: HCFC1 (host cell factor C1; minus strand). Cytogenetic location: Xq28.
Variant type: single nucleotide variant.
Coding change: c.3510G>C on transcript NM_005334.3 (MANE Select); coding-DNA position 3510, G replaced by C.
Protein change: p.Gln1170His; replaces glutamine 1170 with histidine.
Molecular consequence: missense variant.
Genome position (GRCh38, 1-based): chrX:153,954,889, C>G on the plus strand (G>C on the coding strand, the complement: HCFC1 is on the minus strand). VCF-style: chrX-153954889-C-G. GRCh37 (hg19) VCF-style: chrX-153220340-C-G.
Other names: p.Gln1170His; c.3510G>C, p.Gln1170His (NM_001410705.1); short protein forms Q1170H.
Identifiers: ClinVar variation 2683598 (VCV002683598.1), dbSNP rs782273685, ClinGen allele CA10557178.

ClinVar aggregate classification (germline): Uncertain significance (1 of 4 stars; one submission).

Allele frequency attached by ClinVar (database versions not stated): ExAC 0.00008.

Submission:

Mayo Clinic Laboratories, Mayo Clinic
Classification: Uncertain significance. Last evaluated: 2022-11-17. Review status: criteria provided, single submitter. Criteria: ACMG Guidelines, 2015. Collection method: clinical testing. Allele origin: germline. Observed: 1 variant allele.
Comment: BP4, PM2